The following is an entry in ClinVar:

ClinVar aggregate classification (germline): Uncertain significance (1 of 4 stars; one submission).

Submission:

Labcorp Genetics (formerly Invitae), Labcorp
Classification: Uncertain significance. Last evaluated: 2022-01-27. Review status: criteria provided, single submitter. Criteria: Invitae Variant Classification Sherloc (09022015). Collection method: clinical testing. Allele origin: germline.
Comment: In summary, the available evidence is currently insufficient to determine the role of this variant in disease. Therefore, it has been classified as a Variant of Uncertain Significance. This sequence change replaces aspartic acid, which is acidic and polar, with glycine, which is neutral and non-polar, at codon 724 of the SI protein (p.Asp724Gly). This variant is not present in population databases (gnomAD no frequency). This variant has not been reported in the literature in individuals affected with SI-related conditions. Advanced modeling of protein sequence and biophysical properties (such as structural, functional, and spatial information, amino acid conservation, physicochemical variation, residue mobility, and thermodynamic stability) performed at Invitae indicates that this missense variant is expected to disrupt SI protein function. Algorithms developed to predict the effect of sequence changes on RNA splicing suggest that this variant may create or strengthen a splice site.

NM_001041.4(SI):c.2171A>G (p.Asp724Gly)

Gene: SI (sucrase-isomaltase; minus strand). Cytogenetic location: 3q26.1.
Variant type: single nucleotide variant.
Coding change: c.2171A>G on transcript NM_001041.4 (MANE Select); coding-DNA position 2171, A replaced by G.
Protein change: p.Asp724Gly; replaces aspartic acid 724 with glycine.
Molecular consequence: missense variant.
Genome position (GRCh38, 1-based): chr3:165,039,960, T>C on the plus strand (A>G on the coding strand, the complement: SI is on the minus strand). VCF-style: chr3-165039960-T-C. GRCh37 (hg19) VCF-style: chr3-164757748-T-C.
Other names: short protein forms D724G.
Identifiers: ClinVar variation 1412311 (VCV001412311.6), dbSNP rs2108217236, ClinGen allele CA355049576.
Genomic context (GRCh38, chr3:165,039,960, plus strand): 5'-GGAGTAATAAGTAATGCAGGGCCCCACAAAAACTCAGTGTCCTCAATCCAGCTGTTCGTA[T>C]CCTCATAAAACCTAAGAACAATGACAATGTTTAAAGTATAATAATGAAAAAATAAGTTTA-3'
Protein context (NP_001032.2, residues 714-734): ARPVLHEFYE[Asp724Gly]TNSWIEDTEF